The following is an entry in ClinVar:

NM_004415.4(DSP):c.299A>T (p.Gln100Leu)

Gene: DSP (desmoplakin; plus strand). Cytogenetic location: 6p24.3.
Variant type: single nucleotide variant.
Coding change: c.299A>T on transcript NM_004415.4 (MANE Select); coding-DNA position 299, A replaced by T.
Protein change: p.Gln100Leu; replaces glutamine 100 with leucine.
Molecular consequence: missense variant.
Genome position (GRCh38, 1-based): chr6:7,558,141, A>T. VCF-style: chr6-7558141-A-T. GRCh37 (hg19) VCF-style: chr6-7558374-A-T.
Other names: c.299A>T, p.Gln100Leu (NM_001008844.3, NM_001319034.2, NM_001406591.1); short protein forms Q100L.
Identifiers: ClinVar variation 3073962 (VCV003073962.1), dbSNP rs772899657, ClinGen allele CA036561.

ClinVar aggregate classification (germline): Uncertain significance (1 of 4 stars; one submission).

Conditions:
Arrhythmogenic cardiomyopathy with wooly hair and keratoderma. Also called: PALMOPLANTAR KERATODERMA WITH LEFT VENTRICULAR CARDIOMYOPATHY AND WOOLLY HAIR; Carvajal syndrome; Dilated cardiomyopathy with woolly hair and keratoderma; Arrhythmogenic cardiomyopathy with woolly hair and keratoderma. Identifiers: Orphanet 65282, MedGen C1854063, MONDO:0011581, OMIM 605676.

Allele frequency attached by ClinVar (database versions not stated): gnomAD exomes below 0.00001; ExAC 0.00001; gnomAD 0.00001.
gnomAD v4.1: 2 of 1,614,124 alleles (0.00012%); highest among the groups gnomAD compares: Non-Finnish European, 0.00017%; no homozygotes.

Submission:

All of Us Research Program, National Institutes of Health
Classification: Uncertain significance for Arrhythmogenic cardiomyopathy with wooly hair and keratoderma. Last evaluated: 2023-11-30. Review status: criteria provided, single submitter. Criteria: ACMG Guidelines, 2015. Collection method: clinical testing. Allele origin: germline. Inheritance: Autosomal dominant inheritance. Observed: 1 variant allele, 1 heterozygote.
Comment: This study involves interpretation of variants in research participants for the purpose of population health screening. Participant phenotype was not available at the time of variant classification. Additional details can be found in publication PMID: 35346344, PMCID: PMC8962531